The following is an entry in ClinVar:

NM_000018.4(ACADVL):c.1183-7A>G

Gene: ACADVL (acyl-CoA dehydrogenase very long chain; plus strand). Cytogenetic location: 17p13.1.
Variant type: single nucleotide variant.
Coding change: c.1183-7A>G on transcript NM_000018.4 (MANE Select); 7 bases into the intron before coding-DNA position 1183, A replaced by G.
Molecular consequence: intron variant.
Genome position (GRCh38, 1-based): chr17:7,223,637, A>G. VCF-style: chr17-7223637-A-G. GRCh37 (hg19) VCF-style: chr17-7126956-A-G.
Other names: c.1252-7A>G (NM_001270447.2); c.955-7A>G (NM_001270448.2); c.1117-7A>G (NM_001033859.3).
Identifiers: ClinVar variation 567061 (VCV000567061.16), dbSNP rs750441118, ClinGen allele CA8338033.
Genomic context (GRCh38, chr17:7,223,637, plus strand): 5'-TGATGAGGCCAAGTCTGACAAAGCCCTTTGCAATTTTCCTTCCCATGTCCCAACTATGCA[A>G]CCTCAGTCCATGGCTTACATGGTGAGTGCTAACATGGACCAGGGAGCCACGGACTTCCAG-3'

ClinVar aggregate classification (germline): Uncertain significance. Review status: reviewed by expert panel (3 of 4 stars). 5 submissions from 5 submitters: Uncertain significance (1). 4 of the submissions do not count toward it. Last evaluated 2022-09-22.

Conditions:
Very long chain acyl-CoA dehydrogenase deficiency (ACADVLD). Also called: VLCAD Deficiency; Very Long-Chain Acyl-Coenzyme A Dehydrogenase Deficiency. Identifiers: Orphanet 26793, MedGen C3887523, MONDO:0008723, OMIM 201475.

Allele frequency attached by ClinVar (database versions not stated): gnomAD exomes below 0.00001; ExAC 0.00001.
gnomAD v4.1: 3 of 1,614,042 alleles (0.00019%); highest among the groups gnomAD compares: Non-Finnish European, 0.00025%; no homozygotes.

Submissions (5):

ClinGen ACADVL Variant Curation Expert Panel, ClinGen
Classification: Uncertain significance for Very long chain acyl-CoA dehydrogenase deficiency. Last evaluated: 2022-09-22. Review status: reviewed by expert panel. Criteria: clingen acadvl acmg specifications v1. Collection method: curation. Allele origin: germline. Inheritance: Autosomal recessive inheritance.
Comment: The c.1183-7A>G variant in ACADVL occurs within splice acceptor site of intron 11. The results from two in silico splicing predictors (MaxEntScn and Human Splicing Finder) indicate that this variant may affect splicing by disrupting the acceptor splice site of intron 11 of 20 in ACADVL (PP3). This variant is absent from gnomAD v2.1.1 (PM2_Supporting). At least one patient with this variant displayed C14:1-carnitine level at 15.5 micromolar, which is highly specific for VLCAD deficiency (PP4_Supporting, PMID: 31031081). Due to limited evidence, this variant is classified as a variant of uncertain significance for autosomal recessive VLCAD deficiency based on the ACMG/AMP criteria applied, as specified by the ClinGen ACADVL Variant Curation Expert Panel: PM2_Supporting, and PP4_Supporting.

Women's Health and Genetics/Laboratory Corporation of America, LabCorp
Classification: Uncertain significance. Last evaluated: 2023-01-25. Review status: criteria provided, single submitter. Criteria: LabCorp Variant Classification Summary - May 2015. Collection method: clinical testing. Allele origin: germline. Not counted in ClinVar's aggregate classification.
Comment: Variant summary: ACADVL c.1183-7A>G alters a non-conserved nucleotide located close to a canonical splice site and therefore could affect mRNA splicing, leading to a significantly altered protein sequence. Several computational tools predict a significant impact on normal splicing: Two predict the variant abolishes a canonical 3' acceptor site, and three predict the variant creates a cryptic 3' acceptor site located 6 nucleotides upstream into intron 11. However, these predictions have yet to be confirmed by functional studies. The variant was absent in 251450 control chromosomes (gnomAD). The available data on variant occurrences in the general population are insufficient to allow any conclusion about variant significance. c.1183-7A>G has been reported in the literature in at least one compound heterozygous individuals affected with Very Long Chain Acyl-CoA Dehydrogenase Deficiency (Rovelli_2019). These data do not allow any conclusion about variant significance. To our knowledge, no experimental evidence demonstrating an impact on protein function has been reported. Four ClinVar submitters have assessed the variant since 2014: all four classified the variant as uncertain significance. Based on the evidence outlined above, the variant was classified as uncertain significance.

Labcorp Genetics (formerly Invitae), Labcorp
Classification: Uncertain significance for Very long chain acyl-CoA dehydrogenase deficiency. Last evaluated: 2021-09-02. Review status: criteria provided, single submitter. Criteria: Invitae Variant Classification Sherloc (09022015). Collection method: clinical testing. Allele origin: germline. Not counted in ClinVar's aggregate classification.
Comment: This sequence change falls in intron 11 of the ACADVL gene. It does not directly change the encoded amino acid sequence of the ACADVL protein. This variant is present in population databases (rs750441118, ExAC 0.001%). This variant has been observed in individual(s) with very long chain acyl-CoA dehydrogenase (VLCAD) deficiency (PMID: 31031081). ClinVar contains an entry for this variant (Variation ID: 567061). Algorithms developed to predict the effect of sequence changes on RNA splicing suggest that this variant may disrupt the consensus splice site. In summary, the available evidence is currently insufficient to determine the role of this variant in disease. Therefore, it has been classified as a Variant of Uncertain Significance.

Wong Mito Lab, Molecular and Human Genetics, Baylor College of Medicine
Classification: Uncertain significance for Very long chain acyl-CoA dehydrogenase deficiency. Last evaluated: 2019-11-01. Review status: criteria provided, single submitter. Criteria: ACMG Guidelines, 2015. Collection method: clinical testing. Allele origin: germline. Not counted in ClinVar's aggregate classification.
Comment: The NM_000018.3:c.1183-7A>G (NP_000009.1:p.?) [GRCH38: NC_000017.11:g.7223637A>G] variant in ACADVL gene is interpretated to be Uncertain Significance based on ACMG guidelines (PMID: 25741868). This variant has been reported. This variant meets the following evidence codes reported in the ACMG guidelines: PP4

Natera, Inc.
Classification: Uncertain significance for Very long chain acyl-CoA dehydrogenase deficiency. Last evaluated: 2020-07-23. Review status: no assertion criteria provided. Collection method: clinical testing. Allele origin: germline. Not counted in ClinVar's aggregate classification.

Literature cited by the submitters: PubMed 26385305 (cited by Women's Health and Genetics/Laboratory Corporation of America, LabCorp); PubMed 31031081 (cited by Women's Health and Genetics/Laboratory Corporation of America, LabCorp and Labcorp Genetics (formerly Invitae), Labcorp).